The following is an entry in ClinVar:

NM_024757.5(EHMT1):c.1661C>A (p.Thr554Lys)

Gene: EHMT1 (euchromatic histone lysine methyltransferase 1; plus strand). Cytogenetic location: 9q34.3.
Variant type: single nucleotide variant.
Coding change: c.1661C>A on transcript NM_024757.5 (MANE Select); coding-DNA position 1661, C replaced by A.
Protein change: p.Thr554Lys; replaces threonine 554 with lysine.
Molecular consequence: missense variant.
Genome position (GRCh38, 1-based): chr9:137,775,122, C>A. VCF-style: chr9-137775122-C-A. GRCh37 (hg19) VCF-style: chr9-140669574-C-A.
Other names: c.1661C>A, p.Thr554Lys (NM_001145527.2); c.1568C>A, p.Thr523Lys (NM_001354259.2); c.1640C>A, p.Thr547Lys (NM_001354263.2); short protein forms T554K, T523K, T547K.
Identifiers: ClinVar variation 653986 (VCV000653986.11), dbSNP rs372688489, ClinGen allele CA201802679.
Genomic context (GRCh38, chr9:137,775,122, plus strand): 5'-GGCCTCTCGTGACTCTGACATTGACCACCAGTCTTGTCTGATTGCAGTTGGGCCGGTGCA[C>A]AAACAGCGTGGTCAAGTATGAGCTGATGCGCCCCTCCAACAAGGCCCCGCTCCTCGTGCT-3'
Protein context (NP_079033.4, residues 544-564): ESVDHELGRC[Thr554Lys]NSVVKYELMR

ClinVar aggregate classification (germline): Uncertain significance. Review status: criteria provided, multiple submitters, no conflicts (2 of 4 stars). 2 submissions from 2 submitters: Uncertain significance (2). Last evaluated 2024-04-02.

Conditions:
Kleefstra syndrome 1 (KLEFS1). Identifiers: Orphanet 261494, MedGen C0795833, MONDO:0027407, OMIM 610253.

Allele frequency attached by ClinVar (database versions not stated): TOPMed below 0.00001; ESP Exome Variant Server 0.00008; gnomAD 0.00001; gnomAD exomes 0.00001.
gnomAD v4.1: 11 of 1,614,002 alleles (0.00068%); highest among the groups gnomAD compares: Non-Finnish European, 0.00076%; no homozygotes.

Submissions (2):

Labcorp Genetics (formerly Invitae), Labcorp
Classification: Uncertain significance for Kleefstra syndrome 1. Last evaluated: 2024-04-02. Review status: criteria provided, single submitter. Criteria: Invitae Variant Classification Sherloc (09022015). Collection method: clinical testing. Allele origin: germline.
Comment: This sequence change replaces threonine, which is neutral and polar, with lysine, which is basic and polar, at codon 554 of the EHMT1 protein (p.Thr554Lys). This variant is not present in population databases (gnomAD no frequency). This variant has not been reported in the literature in individuals affected with EHMT1-related conditions. ClinVar contains an entry for this variant (Variation ID: 653986). Advanced modeling of protein sequence and biophysical properties (such as structural, functional, and spatial information, amino acid conservation, physicochemical variation, residue mobility, and thermodynamic stability) performed at Invitae indicates that this missense variant is not expected to disrupt EHMT1 protein function with a negative predictive value of 80%. In summary, the available evidence is currently insufficient to determine the role of this variant in disease. Therefore, it has been classified as a Variant of Uncertain Significance.

GeneDx
Classification: Uncertain significance. Last evaluated: 2022-03-21. Review status: criteria provided, single submitter. Criteria: GeneDx Variant Classification Process June 2021. Collection method: clinical testing. Allele origin: germline. Affected: yes.
Comment: Not observed in large population cohorts (gnomAD); In silico analysis, which includes protein predictors and evolutionary conservation, supports that this variant does not alter protein structure/function; Has not been previously published as pathogenic or benign to our knowledge